The following is an entry in ClinVar:

NM_003630.3(PEX3):c.391G>T (p.Val131Phe)

Gene: PEX3 (peroxisomal biogenesis factor 3; plus strand). Cytogenetic location: 6q24.2.
Variant type: single nucleotide variant.
Coding change: c.391G>T on transcript NM_003630.3 (MANE Select); coding-DNA position 391, G replaced by T.
Protein change: p.Val131Phe; replaces valine 131 with phenylalanine.
Molecular consequence: missense variant.
Genome position (GRCh38, 1-based): chr6:143,471,020, G>T. VCF-style: chr6-143471020-G-T. GRCh37 (hg19) VCF-style: chr6-143792157-G-T.
Other names: short protein forms V131F.
Identifiers: ClinVar variation 1715047 (VCV001715047.6), dbSNP rs2537196792, ClinGen allele CA365909836.

ClinVar aggregate classification (germline): Uncertain significance (1 of 4 stars; one submission).

Submission:

Labcorp Genetics (formerly Invitae), Labcorp
Classification: Uncertain significance. Last evaluated: 2024-06-03. Review status: criteria provided, single submitter. Criteria: Invitae Variant Classification Sherloc (09022015). Collection method: clinical testing. Allele origin: germline.
Comment: This sequence change replaces valine, which is neutral and non-polar, with phenylalanine, which is neutral and non-polar, at codon 131 of the PEX3 protein (p.Val131Phe). This variant is not present in population databases (gnomAD no frequency). This variant has not been reported in the literature in individuals affected with PEX3-related conditions. ClinVar contains an entry for this variant (Variation ID: 1715047). Advanced modeling of protein sequence and biophysical properties (such as structural, functional, and spatial information, amino acid conservation, physicochemical variation, residue mobility, and thermodynamic stability) performed at Invitae indicates that this missense variant is expected to disrupt PEX3 protein function with a positive predictive value of 80%. In summary, the available evidence is currently insufficient to determine the role of this variant in disease. Therefore, it has been classified as a Variant of Uncertain Significance.